The following is an entry in ClinVar:

ClinVar aggregate classification (germline): Uncertain significance. Review status: criteria provided, multiple submitters, no conflicts (2 of 4 stars). 2 submissions from 2 submitters: Uncertain significance (2). Last evaluated 2020-11-23.

Conditions:
Hereditary nonpolyposis colorectal neoplasms. Identifiers: MedGen C0009405, MeSH D003123.

Allele frequency attached by ClinVar (database versions not stated): gnomAD exomes below 0.00001; ExAC 0.00001.

Submissions (2):

Labcorp Genetics (formerly Invitae), Labcorp
Classification: Uncertain significance for Hereditary nonpolyposis colorectal neoplasms. Last evaluated: 2020-11-23. Review status: criteria provided, single submitter. Criteria: Invitae Variant Classification Sherloc (09022015). Collection method: clinical testing. Allele origin: germline.
Comment: In summary, the available evidence is currently insufficient to determine the role of this variant in disease. Therefore, it has been classified as a Variant of Uncertain Significance. Advanced modeling of protein sequence and biophysical properties (such as structural, functional, and spatial information, amino acid conservation, physicochemical variation, residue mobility, and thermodynamic stability) performed at Invitae indicates that this missense variant is not expected to disrupt PMS2 protein function. This variant has not been reported in the literature in individuals with PMS2-related conditions. ClinVar contains an entry for this variant (Variation ID: 619892). The frequency data for this variant in the population databases is considered unreliable, as metrics indicate poor data quality at this position in the ExAC database. This sequence change replaces arginine with glycine at codon 153 of the PMS2 protein (p.Arg153Gly). The arginine residue is weakly conserved and there is a moderate physicochemical difference between arginine and glycine.

Quest Diagnostics Nichols Institute San Juan Capistrano
Classification: Uncertain significance. Last evaluated: 2018-04-28. Review status: criteria provided, single submitter. Criteria: Quest Diagnostics criteria. Collection method: clinical testing. Allele origin: germline.

NM_000535.7(PMS2):c.457A>G (p.Arg153Gly)

Gene: PMS2 (PMS1 homolog 2, mismatch repair system component; minus strand). Cytogenetic location: 7p22.1.
Variant type: single nucleotide variant.
Coding change: c.457A>G on transcript NM_000535.7 (MANE Select); coding-DNA position 457, A replaced by G.
Protein change: p.Arg153Gly; replaces arginine 153 with glycine.
Molecular consequence: missense variant. On other transcripts: 5 prime UTR variant (2), non-coding transcript variant (1).
Genome position (GRCh38, 1-based): chr7:6,002,533, T>C on the plus strand (A>G on the coding strand, the complement: PMS2 is on the minus strand). VCF-style: chr7-6002533-T-C. GRCh37 (hg19) VCF-style: chr7-6042164-T-C.
Other names: c.52A>G, p.Arg18Gly (NM_001322003.2, NM_001322004.2, NM_001322005.2 and 3 more transcripts); c.457A>G, p.Arg153Gly (NM_001322006.2, NM_001322014.2); c.139A>G, p.Arg47Gly (NM_001322007.2, NM_001322008.2); c.-428A>G (NM_001322011.2, NM_001322012.2); c.148A>G, p.Arg50Gly (NM_001322015.2); short protein forms R153G, R47G, R18G, R50G.
Identifiers: ClinVar variation 619892 (VCV000619892.10), dbSNP rs779013546, ClinGen allele CA049888.